The following is an entry in ClinVar:

NM_000038.6(APC):c.4241del (p.Val1414fs)

Gene: APC (APC regulator of Wnt signaling pathway; plus strand). Cytogenetic location: 5q22.2.
Variant type: Deletion.
Coding change: c.4241del on transcript NM_000038.6 (MANE Select); coding-DNA position 4241, one base deleted (T; older notation c.4241delT).
Protein change: p.Val1414fs; shifts the reading frame from valine 1414.
Molecular consequence: frameshift variant.
Genome position (GRCh38, 1-based): chr5:112,839,835, T deleted. VCF-style (leftmost placement, unchanged base first): chr5-112839834-GT-G. GRCh37 (hg19) VCF-style: chr5-112175531-GT-G.
Other names: c.4241del, p.Val1414fs (NM_001127510.3, NM_001354895.2); c.4187del, p.Val1396fs (NM_001127511.3); c.4295del, p.Val1432fs (NM_001354896.2); c.4271del, p.Val1424fs (NM_001354897.2); c.4166del, p.Val1389fs (NM_001354898.2); c.4157del, p.Val1386fs (NM_001354899.2); c.4118del, p.Val1373fs (NM_001354900.2); c.4064del, p.Val1355fs (NM_001354901.2); and 5 more; short protein forms V1373fs, V1389fs, V1131fs, V1288fs, V1313fs, V1396fs, V1432fs, V1254fs.
Identifiers: ClinVar variation 433659 (VCV000433659.2), dbSNP rs1554085659, ClinGen allele CA445964236.

ClinVar aggregate classification (germline): Pathogenic (0 of 4 stars; one submission).

Conditions:
Carcinoma of colon (CRC). Also called: Colon carcinoma; Colonic carcinoma. Identifiers: MedGen C0699790, MONDO:0002032.

Submission:

Department of Pathology and Laboratory Medicine, Sinai Health System
Classification: Pathogenic for Carcinoma of colon. Review status: no assertion criteria provided. Collection method: clinical testing. Allele origin: unknown. Affected: yes. Observed: 2 variant alleles. Study: The Canadian Open Genetics Repository (COGR).
Comment: The p.Val1414GlufsX5 deletion is predicted to cause a frameshift, which alters the protein's amino acid sequence beginning at codon 1414 and leads to a premature stop codon 5 codons downstream. This alteration is then predicted to lead to a truncated or absent protein and loss of function. In addition, the p.Val1414GlufsX5 deletion has been previously reported in the literature in at least one individual in a "sporadic" tumour from an invasive carcinoma, supporting a pathogenic role for this deletion (Miyaki 1994). It should be noted that this sequence alteration is of the type that is expected to cause the disorder. In summary, based on the above information, the p.Val1414GlufsX5 deletion is classified as pathogenic.